The following is an entry in ClinVar:

NM_000552.5(VWF):c.5314delG

Gene: VWF (von Willebrand factor; minus strand). Cytogenetic location: 12p13.31.
Variant type: Deletion.
Coding change: c.5314delG on transcript NM_000552.5 (MANE Select); coding-DNA position 5314, one base deleted (G).
Molecular consequence: splice acceptor variant.
Genome position (GRCh38, 1-based): chr12:6,016,230, C deleted on the plus strand (G on the coding strand, the reverse complement: VWF is on the minus strand); the first of 4 consecutive C bases (chr12:6,016,230-6,016,233); deleting any one gives the same sequence. VCF-style (leftmost placement, unchanged base first): chr12-6016229-TC-T. GRCh37 (hg19) VCF-style: chr12-6125395-TC-T.
Other names: c.5314del (NM_000552.5).
Identifiers: ClinVar variation 1803280 (VCV001803280.3), dbSNP rs2497505797, ClinGen allele CA2573106157.
Genomic context (GRCh38, chr12:6,016,229, plus strand): 5'-GCTCCCGGCCTGGCACCATGCATTTCTGAAGTCAAGTATCGCACAGCAAAGCCCAAGGCA[TC>T]CCCTGAGGATGGAGAACAGATCACGCCAAGTCAGTACTGACTGCGGCTCGACACCCTGTC-3'

ClinVar aggregate classification (germline): Pathogenic. Review status: criteria provided, multiple submitters, no conflicts (2 of 4 stars). 2 submissions from 2 submitters: Pathogenic (2). Last evaluated 2026-04-20.

Conditions:
von Willebrand disease type 1 (VWD1). Also called: VON WILLEBRAND DISEASE, TYPE I; VWD, TYPE 1. Identifiers: Orphanet 166078, Orphanet 903, MedGen C1264039, MONDO:0008668, OMIM 193400. Inheritance: autosomal recessive or autosomal dominant.
von Willebrand disease type 3 (VWD3). Also called: Type 3 Von Willebrand's disease; Type 3 VWD; Von Willebrand disease, severe form; V WD3; VON WILLEBRAND DISEASE, TYPE III. Identifiers: Orphanet 166096, MedGen C1264041, MONDO:0010191, OMIM 277480.

Submissions (2):

Victorian Clinical Genetics Services, Murdoch Childrens Research Institute
Classification: Pathogenic for von Willebrand disease type 1. Last evaluated: 2026-04-20. Review status: criteria provided, single submitter. Criteria: ACMG Guidelines, 2015. Collection method: clinical testing. Allele origin: germline.
Comment: This variant is classified as Pathogenic. Evidence in support of pathogenic classification: Variant is predicted to cause nonsense-mediated decay (NMD) and loss of protein (premature termination codon is located at least 54 nucleotides upstream of the final exon-exon junction); Variant is absent from gnomAD (v2, v3 and v4); This variant has limited previous evidence of pathogenicity in an unrelated individual(s). This variant has been classified as pathogenic by a clinical laboratory in ClinVar. - Other NMD-predicted variant(s) comparable to the one identified in this case have very strong previous evidence for pathogenicity (DECIPHER). Additional information: This variant is heterozygous; This gene is associated with both recessive and dominant disease. VWD can be both dominantly and recessively inherited, and is categorised into six different types: 1 (MIM#193400), 2A, 2B, 2M, 2N (MIM#613554) and 3 (MIM#277480). - Dominant negative, gain of function and loss of function are known mechanisms of disease in this gene and are associated with von Willebrand disease (VWD) (OMIM, PMID: 30488424); The condition associated with this gene has incomplete penetrance (PMID: 19372260); Variants in this gene are known to have variable expressivity (PMID: 19372260); Inheritance information for this variant is not currently available in this individual.

Genetics and Molecular Pathology, SA Pathology
Classification: Pathogenic for von Willebrand disease type 3. Last evaluated: 2022-05-27. Review status: criteria provided, single submitter. Criteria: ACMG Guidelines, 2015. Collection method: clinical testing. Allele origin: germline. Inheritance: Autosomal recessive inheritance. Affected: yes.

Literature cited by the submitters: PubMed 30488424 (cited by Victorian Clinical Genetics Services, Murdoch Childrens Research Institute); PubMed 19372260 (cited by Victorian Clinical Genetics Services, Murdoch Childrens Research Institute).